The following is an entry in ClinVar:

NM_001378454.1(ALMS1):c.7596A>T (p.Leu2532Phe)

Gene: ALMS1 (ALMS1 centrosome and basal body associated protein; plus strand). Cytogenetic location: 2p13.1.
Variant type: single nucleotide variant.
Coding change: c.7596A>T on transcript NM_001378454.1 (MANE Select); coding-DNA position 7596, A replaced by T.
Protein change: p.Leu2532Phe; replaces leucine 2532 with phenylalanine.
Molecular consequence: missense variant.
Genome position (GRCh38, 1-based): chr2:73,455,217, A>T. VCF-style: chr2-73455217-A-T. GRCh37 (hg19) VCF-style: chr2-73682344-A-T.
Other names: c.7599A>T, p.Leu2533Phe (NM_015120.4); short protein forms L2532F, L2533F.
Identifiers: ClinVar variation 1759680 (VCV001759680.2), dbSNP rs750503973, ClinGen allele CA347293042.
Genomic context (GRCh38, chr2:73,455,217, plus strand): 5'-TCCAGCCTGGAATATGAAGTTCAATTTAGCACATGATTGTGGATACTCCATTTCAGAATT[A>T]AATGAAGATGACAGGAGGAAAGTAGAAGAGATCAAGGCAGAGTTATTTGGTCATGGAAGA-3'
Protein context (NP_001365383.1, residues 2522-2542): AHDCGYSISE[Leu2532Phe]NEDDRRKVEE

ClinVar aggregate classification (germline): Uncertain significance (1 of 4 stars; one submission).

Conditions:
Cardiovascular phenotype. Identifiers: MedGen CN230736.

gnomAD v4.1: 1 of 1,613,786 alleles (0.000062%); highest among the groups gnomAD compares: Non-Finnish European, 0.000085%; no homozygotes.

Submission:

Ambry Genetics
Classification: Uncertain significance for Cardiovascular phenotype. Last evaluated: 2021-09-07. Review status: criteria provided, single submitter. Criteria: Ambry Variant Classification Scheme 2023. Collection method: clinical testing. Allele origin: germline.
Comment: The p.L2533F variant (also known as c.7599A>T), located in coding exon 9 of the ALMS1 gene, results from an A to T substitution at nucleotide position 7599. The leucine at codon 2533 is replaced by phenylalanine, an amino acid with highly similar properties. This amino acid position is highly conserved in available vertebrate species. In addition, this alteration is predicted to be tolerated by in silico analysis. Since supporting evidence is limited at this time, the clinical significance of this alteration remains unclear.